The following is an entry in ClinVar:

ClinVar aggregate classification (germline): Uncertain significance (1 of 4 stars; one submission).

gnomAD v4.1: 15 of 1,607,760 alleles (0.00093%); highest among the groups gnomAD compares: African/African-American, 0.0053%; no homozygotes.

Submission:

Dasa
Classification: Uncertain significance. Last evaluated: 2026-05-21. Review status: criteria provided, single submitter. Criteria: DASA Assertion Criteria. Collection method: clinical testing. Allele origin: germline.
Comment: NM_001003694.2(BRPF1):c.2564C>T (p.Pro855Leu) is a missense variant that results in the substitution of proline with leucine. This variant is rare in population databases. Computational prediction algorithms are consistent with a benign effect. The currently available literature and clinical evidence are not sufficient to establish a definitive association between this variant and the reported condition. Therefore, this variant is classified as a variant of uncertain significance.

NM_001003694.2(BRPF1):c.2564C>T (p.Pro855Leu)

Gene: BRPF1 (bromodomain and PHD finger containing 1; plus strand). Cytogenetic location: 3p25.3.
Variant type: single nucleotide variant.
Coding change: c.2564C>T on transcript NM_001003694.2 (MANE Select); coding-DNA position 2564, C replaced by T.
Protein change: p.Pro855Leu; replaces proline 855 with leucine.
Molecular consequence: missense variant. On other transcripts: non-coding transcript variant (1).
Genome position (GRCh38, 1-based): chr3:9,743,830, C>T. VCF-style: chr3-9743830-C-T. GRCh37 (hg19) VCF-style: chr3-9785514-C-T.
Other names: c.2546C>T, p.Pro849Leu (NM_001319049.2, NM_001437892.1, NM_004634.3); c.2543C>T, p.Pro848Leu (NM_001319050.2, NM_001438342.1, NM_001438343.1 and 1 more transcripts); c.2561C>T, p.Pro854Leu (NM_001410704.1, NM_001438345.1); c.2564C>T, p.Pro855Leu (NM_001438344.1); short protein forms P848L, P849L, P854L, P855L.
Identifiers: ClinVar variation 5020519 (VCV005020519.1).